The following is an entry in ClinVar:

NM_001844.5(COL2A1):c.1937dup (p.Ala647fs)

Gene: COL2A1 (collagen type II alpha 1 chain; minus strand). Cytogenetic location: 12q13.11.
Variant type: Duplication.
Coding change: c.1937dup on transcript NM_001844.5 (MANE Select); coding-DNA position 1937, one base duplicated (C; older notation c.1937dupC).
Protein change: p.Ala647fs; shifts the reading frame from alanine 647.
Molecular consequence: frameshift variant.
Genome position (GRCh38, 1-based): chr12:47,984,091, G duplicated on the plus strand (C on the coding strand, the reverse complement: COL2A1 is on the minus strand); the first of 3 consecutive G bases (chr12:47,984,091-47,984,093); duplicating any one gives the same sequence. VCF-style (leftmost placement, unchanged base first): chr12-47984090-A-AG. GRCh37 (hg19) VCF-style: chr12-48377873-A-AG.
Other names: c.1730dup, p.Ala578fs (NM_033150.3); c.1937dupC (NM_001844.5); short protein forms A578fs, A647fs.
Identifiers: ClinVar variation 1320320 (VCV001320320.1), dbSNP rs2136558900, ClinGen allele CA2573053666.

ClinVar aggregate classification (germline): Likely pathogenic (1 of 4 stars; one submission).

Conditions:
Kniest dysplasia. Identifiers: Orphanet 485, MedGen C0265279, MONDO:0007987, OMIM 156550.

Submission:

HudsonAlpha Institute for Biotechnology
Classification: Likely pathogenic for Kniest dysplasia. Last evaluated: 2021-08-27. Review status: criteria provided, single submitter. Criteria: ACMG Guidelines, 2015. Collection method: research. Allele origin: unknown. Affected: yes. Observed: 1 variant allele. Study: CSER-SouthSeq.
Comment: ACMG codes: PVS1; PM2